The following is an entry in ClinVar:

NM_005343.4(HRAS):c.236T>A (p.Leu79Gln)

Genes: HRAS (HRas proto-oncogene, GTPase; minus strand), LRRC56 (leucine rich repeat containing 56; plus strand). Cytogenetic location: 11p15.5.
Variant type: single nucleotide variant.
Coding change: c.236T>A on transcript NM_005343.4 (MANE Select); coding-DNA position 236, T replaced by A.
Protein change: p.Leu79Gln; replaces leucine 79 with glutamine.
Molecular consequence: missense variant. On other transcripts: 5 prime UTR variant (1).
Genome position (GRCh38, 1-based): chr11:533,820, A>T on the plus strand (T>A on the coding strand, the complement: HRAS is on the minus strand). VCF-style: chr11-533820-A-T. GRCh37 (hg19) VCF-style: chr11-533820-A-T.
Other names: c.236T>A, p.Leu79Gln (NM_001130442.3, NM_176795.5); c.-84T>A (NM_001318054.2); short protein forms L79Q.
Identifiers: ClinVar variation 1013777 (VCV001013777.10), dbSNP rs1851275137, ClinGen allele CA378924556.

ClinVar aggregate classification (germline): Uncertain significance (1 of 4 stars; one submission).

Conditions:
Costello syndrome (CSTLO). Also called: FACIOCUTANEOSKELETAL SYNDROME; HRAS-Related Costello Syndrome; FCS SYNDROME. Identifiers: Orphanet 3071, MedGen C0587248, MONDO:0009026, OMIM 218040.

Submission:

Labcorp Genetics (formerly Invitae), Labcorp
Classification: Uncertain significance for Costello syndrome. Last evaluated: 2020-01-01. Review status: criteria provided, single submitter. Criteria: Invitae Variant Classification Sherloc (09022015). Collection method: clinical testing. Allele origin: germline.
Comment: In summary, the available evidence is currently insufficient to determine the role of this variant in disease. Therefore, it has been classified as a Variant of Uncertain Significance. Algorithms developed to predict the effect of missense changes on protein structure and function (SIFT, PolyPhen-2, Align-GVGD) all suggest that this variant is likely to be disruptive, but these predictions have not been confirmed by published functional studies and their clinical significance is uncertain. This variant has not been reported in the literature in individuals with HRAS-related conditions. This variant is not present in population databases (ExAC no frequency). This sequence change replaces leucine with glutamine at codon 79 of the HRAS protein (p.Leu79Gln). The leucine residue is highly conserved and there is a moderate physicochemical difference between leucine and glutamine.